The following is an entry in ClinVar:

ClinVar aggregate classification (germline): Uncertain significance (1 of 4 stars; one submission).

Allele frequency attached by ClinVar (database versions not stated): gnomAD exomes below 0.00001.
gnomAD v4.1: 1 of 1,598,440 alleles (0.000063%); highest among the groups gnomAD compares: Non-Finnish European, 0.000085%; no homozygotes.

Submission:

Labcorp Genetics (formerly Invitae), Labcorp
Classification: Uncertain significance. Last evaluated: 2022-09-18. Review status: criteria provided, single submitter. Criteria: Invitae Variant Classification Sherloc (09022015). Collection method: clinical testing. Allele origin: germline.
Comment: In summary, the available evidence is currently insufficient to determine the role of this variant in disease. Therefore, it has been classified as a Variant of Uncertain Significance. Advanced modeling of protein sequence and biophysical properties (such as structural, functional, and spatial information, amino acid conservation, physicochemical variation, residue mobility, and thermodynamic stability) performed at Invitae indicates that this missense variant is not expected to disrupt LEMD3 protein function. This variant has not been reported in the literature in individuals affected with LEMD3-related conditions. This variant is not present in population databases (gnomAD no frequency). This sequence change replaces arginine, which is basic and polar, with glycine, which is neutral and non-polar, at codon 242 of the LEMD3 protein (p.Arg242Gly).

NM_014319.5(LEMD3):c.724C>G (p.Arg242Gly)

Gene: LEMD3 (LEM domain containing 3; plus strand). Cytogenetic location: 12q14.3.
Variant type: single nucleotide variant.
Coding change: c.724C>G on transcript NM_014319.5 (MANE Select); coding-DNA position 724, C replaced by G.
Protein change: p.Arg242Gly; replaces arginine 242 with glycine.
Molecular consequence: missense variant.
Genome position (GRCh38, 1-based): chr12:65,170,320, C>G. VCF-style: chr12-65170320-C-G. GRCh37 (hg19) VCF-style: chr12-65564100-C-G.
Other names: c.724C>G, p.Arg242Gly (NM_001167614.2); short protein forms R242G.
Identifiers: ClinVar variation 2000821 (VCV002000821.4), dbSNP rs2498939208, ClinGen allele CA385673823.